The following is an entry in ClinVar:

ClinVar aggregate classification (germline): Likely benign (1 of 4 stars; one submission).

Submission:

CeGaT Center for Human Genetics Tuebingen
Classification: Likely benign. Last evaluated: 2023-12-01. Review status: criteria provided, single submitter. Criteria: CeGaT Center For Human Genetics Tuebingen Variant Classification Criteria Version 2. Collection method: clinical testing. Allele origin: germline. Affected: yes. Observed: 1 variant allele.
Comment: SETD1B: PM2:Supporting, BP4, BP7

NM_001353345.2(SETD1B):c.1257T>G (p.Ala419=)

Gene: SETD1B (SET domain containing 1B, histone lysine methyltransferase; plus strand). Cytogenetic location: 12q24.31.
Variant type: single nucleotide variant.
Coding change: c.1257T>G on transcript NM_001353345.2 (MANE Select); coding-DNA position 1257, T replaced by G.
Protein change: p.Ala419=; no amino-acid change (alanine 419 retained).
Molecular consequence: synonymous variant.
Genome position (GRCh38, 1-based): chr12:121,810,202, T>G. VCF-style: chr12-121810202-T-G. GRCh37 (hg19) VCF-style: chr12-122248108-T-G.
Identifiers: ClinVar variation 3026172 (VCV003026172.22), dbSNP rs2137552013, ClinGen allele CA482433565.
Genomic context (GRCh38, chr12:121,810,202, plus strand): 5'-GTATCAGACCCCAGTGGCCCACTTCCCTCCACCCCCGGAAGAGCCCACCGCCACAGCCGC[T>G]TTTGGGGCCCGCGACAGTGGGGAGTTCCGGAGGGCACCGGCGCCCCCACCCCTGCCACCT-3'
Protein context (NP_001340274.1, residues 409-429): PPPEEPTATA[Ala419=]FGARDSGEFR